The following is an entry in ClinVar:

NM_002617.4(PEX10):c.231_235del (p.Gln78fs)

Gene: PEX10 (peroxisomal biogenesis factor 10; minus strand). Cytogenetic location: 1p36.32.
Variant type: Deletion.
Coding change: c.231_235del on transcript NM_002617.4 (MANE Select); coding-DNA positions 231 to 235, 5 bases deleted (CCAGG; older notation c.231_235delCCAGG).
Protein change: p.Gln78fs; shifts the reading frame from glutamine 78.
Molecular consequence: frameshift variant. On other transcripts: 5 prime UTR variant (2), non-coding transcript variant (1).
Genome position (GRCh38, 1-based): chr1:2,408,817-2,408,821, CCTGG deleted on the plus strand (CCAGG on the coding strand, the reverse complement: PEX10 is on the minus strand). VCF-style (leftmost placement, unchanged base first): chr1-2408816-ACCTGG-A. GRCh37 (hg19) VCF-style: chr1-2340255-ACCTGG-A.
Other names: c.231_235del, p.Gln78fs (NM_001374425.1, NM_153818.2); c.-202_-198del (NM_001374426.1, NM_001374427.1); short protein forms Q78fs.
Identifiers: ClinVar variation 5013728 (VCV005013728.1).

ClinVar aggregate classification (germline): Pathogenic (1 of 4 stars; one submission).

Conditions:
Peroxisome biogenesis disorder. Identifiers: Orphanet 79189, MedGen C1832200, MONDO:0019234. Disease mechanism: loss of function.

Submission:

Myriad Genetics, Inc.
Classification: Pathogenic for Peroxisome biogenesis disorder. Last evaluated: 2024-11-10. Review status: criteria provided, single submitter. Criteria: Myriad Autosomal Dominant, Autosomal Recessive and X-Linked Classification Criteria (2023). Collection method: clinical testing. Allele origin: unknown.
Comment: NM_153818.1(PEX10):c.231_235del5(Q78Gfs*41) is expected to be pathogenic in the context of peroxisome biogenesis disorder type 6. This variant is predicted to lead to an abnormal or absent protein product due to the creation of a premature termination codon in PEX10, a gene where loss-of-function variants are known to be pathogenic. Please note: this variant was assessed in the context of healthy population screening.